The following is an entry in ClinVar:

ClinVar aggregate classification (germline): Uncertain significance. Review status: criteria provided, multiple submitters, no conflicts (2 of 4 stars). 4 submissions from 4 submitters: Uncertain significance (4). Last evaluated 2025-01-21.

Allele frequency attached by ClinVar (database versions not stated): TOPMed 0.00002.
gnomAD v4.1: 27 of 1,318,898 alleles (0.002%); highest among the groups gnomAD compares: Non-Finnish European, 0.0023%; no homozygotes.

Submissions (4):

GeneDx
Classification: Uncertain significance. Last evaluated: 2025-01-21. Review status: criteria provided, single submitter. Criteria: GeneDx Variant Classification Process June 2021. Collection method: clinical testing. Allele origin: germline. Affected: yes.
Comment: Not observed at significant frequency in large population cohorts (gnomAD); In silico analysis indicates that this missense variant does not alter protein structure/function; Has not been previously published as pathogenic or benign to our knowledge

Ambry Genetics
Classification: Uncertain significance. Last evaluated: 2024-06-28. Review status: criteria provided, single submitter. Criteria: Ambry Variant Classification Scheme 2023. Collection method: clinical testing. Allele origin: germline.

Labcorp Genetics (formerly Invitae), Labcorp
Classification: Uncertain significance. Last evaluated: 2022-10-10. Review status: criteria provided, single submitter. Criteria: Invitae Variant Classification Sherloc (09022015). Collection method: clinical testing. Allele origin: germline.
Comment: This sequence change replaces glycine, which is neutral and non-polar, with cysteine, which is neutral and slightly polar, at codon 206 of the IRF2BP2 protein (p.Gly206Cys). In summary, the available evidence is currently insufficient to determine the role of this variant in disease. Therefore, it has been classified as a Variant of Uncertain Significance. Algorithms developed to predict the effect of missense changes on protein structure and function (SIFT, PolyPhen-2, Align-GVGD) all suggest that this variant is likely to be tolerated. ClinVar contains an entry for this variant (Variation ID: 1400727). This variant has not been reported in the literature in individuals affected with IRF2BP2-related conditions. This variant is not present in population databases (gnomAD no frequency).

Greenwood Genetic Center Diagnostic Laboratories, Greenwood Genetic Center
Classification: Uncertain significance. Last evaluated: 2022-02-09. Review status: criteria provided, single submitter. Criteria: ACMG Guidelines, 2015. Collection method: clinical testing. Allele origin: germline. Affected: yes.
Comment: PM2

NM_182972.3(IRF2BP2):c.616G>T (p.Gly206Cys)

Genes: IRF2BP2 (interferon regulatory factor 2 binding protein 2; minus strand), LOC129932811 (ATAC-STARR-seq lymphoblastoid silent region 1976; plus strand). Cytogenetic location: 1q42.3.
Variant type: single nucleotide variant.
Coding change: c.616G>T on transcript NM_182972.3 (MANE Select); coding-DNA position 616, G replaced by T.
Protein change: p.Gly206Cys; replaces glycine 206 with cysteine.
Molecular consequence: missense variant.
Genome position (GRCh38, 1-based): chr1:234,608,879, C>A on the plus strand (G>T on the coding strand, the complement: IRF2BP2 is on the minus strand). VCF-style: chr1-234608879-C-A. GRCh37 (hg19) VCF-style: chr1-234744625-C-A.
Other names: c.616G>T, p.Gly206Cys (NM_001077397.1); short protein forms G206C.
Identifiers: ClinVar variation 1400727 (VCV001400727.10), dbSNP rs772956890, ClinGen allele CA1461799.